The following is an entry in ClinVar:

ClinVar aggregate classification (germline): Conflicting classifications of pathogenicity. Review status: criteria provided, conflicting classifications (1 of 4 stars). 2 submissions from 2 submitters: Pathogenic (1); Uncertain significance (1). Last evaluated 2023-08-24.

Conditions:
PRPF31-related disorder. Also called: PRPF31-related condition.

Submissions (2):

Labcorp Genetics (formerly Invitae), Labcorp
Classification: Uncertain significance. Last evaluated: 2023-08-24. Review status: criteria provided, single submitter. Criteria: Invitae Variant Classification Sherloc (09022015). Collection method: clinical testing. Allele origin: germline.
Comment: This sequence change replaces arginine, which is basic and polar, with glycine, which is neutral and non-polar, at codon 377 of the PRPF31 protein (p.Arg377Gly). This variant is not present in population databases (gnomAD no frequency). This missense change has been observed in individual(s) with inherited retinal dystrophy (Invitae). ClinVar contains an entry for this variant (Variation ID: 866822). An algorithm developed to predict the effect of missense changes on protein structure and function (PolyPhen-2) suggests that this variant is likely to be disruptive. Algorithms developed to predict the effect of sequence changes on RNA splicing suggest that this variant may create or strengthen a splice site. In summary, the available evidence is currently insufficient to determine the role of this variant in disease. Therefore, it has been classified as a Variant of Uncertain Significance.

Blueprint Genetics
Classification: Pathogenic for PRPF31-related disorders. Last evaluated: 2020-05-14. Review status: criteria provided, single submitter. Criteria: ACMG Guidelines, 2015. Collection method: clinical testing. Allele origin: germline. Affected: yes. Observed: 5 variant alleles.

NM_015629.4(PRPF31):c.1129C>G (p.Arg377Gly)

Gene: PRPF31 (pre-mRNA processing factor 31; plus strand). Cytogenetic location: 19q13.42.
Variant type: single nucleotide variant.
Coding change: c.1129C>G on transcript NM_015629.4 (MANE Select); coding-DNA position 1129, C replaced by G.
Protein change: p.Arg377Gly; replaces arginine 377 with glycine.
Molecular consequence: missense variant.
Genome position (GRCh38, 1-based): chr19:54,128,360, C>G. VCF-style: chr19-54128360-C-G. GRCh37 (hg19) VCF-style: chr19-54631735-C-G.
Other names: short protein forms R377G.
Identifiers: ClinVar variation 866822 (VCV000866822.10), dbSNP rs2073971306, ClinGen allele CA407753945.
Genomic context (GRCh38, chr19:54,128,360, plus strand): 5'-CCCAGGTACCGCAAGATGAAGGAGCGGCTGGGGCTGACGGAGATCCGGAAGCAGGCCAAC[C>G]GTATGAGCTTCGGAGAGGTCAGACTCCCAGAGCGCCCTCCTCAACCCCACAGCCAGCCAG-3'
Protein context (NP_056444.3, residues 367-387): GLTEIRKQAN[Arg377Gly]MSFGEIEEDA